The following is an entry in ClinVar:

ClinVar aggregate classification (germline): Conflicting classifications of pathogenicity. Review status: criteria provided, conflicting classifications (1 of 4 stars). 4 submissions from 4 submitters: Uncertain significance (2); Likely benign (2). Last evaluated 2025-09-09.

Conditions:
Nephronophthisis 15 (NPHP15). Identifiers: Orphanet 3156, MedGen C3541853, MONDO:0013917, OMIM 614845.
CEP164-related disorder. Also called: CEP164-related condition.

Allele frequency attached by ClinVar (database versions not stated): gnomAD exomes 0.00002 and 0.00006; ExAC 0.00005; TOPMed 0.00015; gnomAD 0.00019; ESP Exome Variant Server 0.00023; 1000 Genomes Project 30x 0.00031; 1000 Genomes Project 0.00040.
gnomAD v4.1: 55 of 1,613,328 alleles (0.0034%); highest among the groups gnomAD compares: African/African-American, 0.061%; no homozygotes.

Submissions (4):

PreventionGenetics, part of Exact Sciences
Classification: Uncertain significance for CEP164-related condition. Last evaluated: 2025-09-09. Review status: criteria provided, single submitter. Criteria: ACMG Guidelines, 2015. Collection method: clinical testing. Allele origin: germline.
Comment: The CEP164 c.3042A>G variant is not predicted to result in an amino acid change (p.=). This variant is predicted to impact splicing based on splicing prediction programs (SpliceAI, Jaganathan et al. 2019. PubMed ID: 30661751). However, the use of computer prediction programs is not equivalent to functional evidence. To our knowledge, this variant has not been reported in the literature. This variant is reported in 0.072% of alleles in individuals of African descent in gnomAD, which may be too frequent for a disease-causing variant. Although we suspect that this variant may be benign, at this time, the clinical significance of this variant is uncertain due to the absence of conclusive functional and genetic evidence.

Labcorp Genetics (formerly Invitae), Labcorp
Classification: Likely benign for Nephronophthisis 15. Last evaluated: 2025-08-20. Review status: criteria provided, single submitter. Criteria: Invitae Variant Classification Sherloc (09022015). Collection method: clinical testing. Allele origin: germline.

Women's Health and Genetics/Laboratory Corporation of America, LabCorp
Classification: Likely benign. Last evaluated: 2024-06-11. Review status: criteria provided, single submitter. Criteria: LabCorp Variant Classification Summary - May 2015. Collection method: clinical testing. Allele origin: germline.

Fulgent Genetics
Classification: Uncertain significance for Nephronophthisis 15. Last evaluated: 2024-04-10. Review status: criteria provided, single submitter. Criteria: ACMG Guidelines, 2015. Collection method: clinical testing. Allele origin: germline.

NM_014956.5(CEP164):c.3042A>G (p.Gln1014=)

Gene: CEP164 (centrosomal protein 164; plus strand). Cytogenetic location: 11q23.3.
Variant type: single nucleotide variant.
Coding change: c.3042A>G on transcript NM_014956.5 (MANE Select); coding-DNA position 3042, A replaced by G.
Protein change: p.Gln1014=; no amino-acid change (glutamine 1014 retained).
Molecular consequence: synonymous variant.
Genome position (GRCh38, 1-based): chr11:117,395,675, A>G. VCF-style: chr11-117395675-A-G. GRCh37 (hg19) VCF-style: chr11-117266391-A-G.
Other names: c.3042A>G (NM_014956.4); c.3051A>G, p.Gln1017= (NM_001271933.2).
Identifiers: ClinVar variation 1123549 (VCV001123549.12), dbSNP rs149350006, ClinGen allele CA6295308.
Genomic context (GRCh38, chr11:117,395,675, plus strand): 5'-CCAGCAGCTCCGAGAAATTCTTGATGAGCTGCAGGCCCGCAAGCTGAAGCTGGAGTCCCA[A>G]GTGGATCTGCTGCAGGCTCAGAGCCAGCAACTGCAGAAACACTTCAGGTGGCGTGGGCAC-3'
Protein context (NP_055771.4, residues 1004-1024): LQARKLKLES[Gln1014=]VDLLQAQSQQ